The following is an entry in ClinVar:

NM_003072.5(SMARCA4):c.4660C>G (p.Gln1554Glu)

Gene: SMARCA4 (SWI/SNF related BAF chromatin remodeling complex subunit ATPase 4; plus strand). Cytogenetic location: 19p13.2.
Variant type: single nucleotide variant.
Coding change: c.4660C>G on transcript NM_003072.5 (MANE Select); coding-DNA position 4660, C replaced by G.
Protein change: p.Gln1554Glu; replaces glutamine 1554 with glutamic acid.
Molecular consequence: missense variant. On other transcripts: non-coding transcript variant (1).
Genome position (GRCh38, 1-based): chr19:11,059,777, C>G. VCF-style: chr19-11059777-C-G. GRCh37 (hg19) VCF-style: chr19-11170453-C-G.
Other names: c.4561C>G, p.Gln1521Glu (NM_001374457.1, NM_001128847.4); c.4756C>G, p.Gln1586Glu (NM_001387283.1, NM_001128849.3); c.4657C>G, p.Gln1553Glu (NM_001411150.1); c.4558C>G, p.Gln1520Glu (NM_001128848.2); c.4660C>G, p.Gln1554Glu (NM_001128844.3); c.4570C>G, p.Gln1524Glu (NM_001128845.2); c.4567C>G, p.Gln1523Glu (NM_001128846.2); short protein forms Q1524E, Q1520E, Q1554E, Q1523E, Q1553E, Q1586E, Q1521E.
Identifiers: ClinVar variation 2831110 (VCV002831110.3), dbSNP rs1555795884, ClinGen allele CA404079249.
Genomic context (GRCh38, chr19:11,059,777, plus strand): 5'-GGCCCATCCACTCAAGCCCCTGGTGTCTCTGCCCAGATCTATGAAGACTCCATCGTCTTG[C>G]AGTCGGTCTTCACCAGCGTGCGGCAGAAAATCGAGAAGGAGGATGACAGTGAAGGCGAGG-3'
Protein context (NP_003063.2, residues 1544-1564): SLIYEDSIVL[Gln1554Glu]SVFTSVRQKI

ClinVar aggregate classification (germline): Uncertain significance (1 of 4 stars; one submission).

Conditions:
Rhabdoid tumor predisposition syndrome 2 (RTPS2). Identifiers: Orphanet 231108, Orphanet 69077, MedGen C2750074, MONDO:0013224, OMIM 613325.

Submission:

Labcorp Genetics (formerly Invitae), Labcorp
Classification: Uncertain significance for Rhabdoid tumor predisposition syndrome 2. Last evaluated: 2023-01-22. Review status: criteria provided, single submitter. Criteria: Invitae Variant Classification Sherloc (09022015). Collection method: clinical testing. Allele origin: germline.
Comment: Advanced modeling of protein sequence and biophysical properties (such as structural, functional, and spatial information, amino acid conservation, physicochemical variation, residue mobility, and thermodynamic stability) has been performed at Invitae for this missense variant, however the output from this modeling did not meet the statistical confidence thresholds required to predict the impact of this variant on SMARCA4 protein function. In summary, the available evidence is currently insufficient to determine the role of this variant in disease. Therefore, it has been classified as a Variant of Uncertain Significance. Algorithms developed to predict the effect of sequence changes on RNA splicing suggest that this variant may disrupt the consensus splice site. This variant has not been reported in the literature in individuals affected with SMARCA4-related conditions. This variant is not present in population databases (gnomAD no frequency). This sequence change replaces glutamine, which is neutral and polar, with glutamic acid, which is acidic and polar, at codon 1586 of the SMARCA4 protein (p.Gln1586Glu).